The following is an entry in ClinVar:

NM_145059.3(FCSK):c.775C>A (p.Pro259Thr)

Gene: FCSK (fucose kinase; plus strand). Cytogenetic location: 16q22.1.
Variant type: single nucleotide variant.
Coding change: c.775C>A on transcript NM_145059.3 (MANE Select); coding-DNA position 775, C replaced by A.
Protein change: p.Pro259Thr; replaces proline 259 with threonine.
Molecular consequence: missense variant.
Genome position (GRCh38, 1-based): chr16:70,468,960, C>A. VCF-style: chr16-70468960-C-A. GRCh37 (hg19) VCF-style: chr16-70502863-C-A.
Other names: c.775C>A (NM_145059.2); short protein forms P259T.
Identifiers: ClinVar variation 2082892 (VCV002082892.6), dbSNP rs370987850, ClinGen allele CA8143077.

ClinVar aggregate classification (germline): Uncertain significance. Review status: criteria provided, multiple submitters, no conflicts (2 of 4 stars). 2 submissions from 2 submitters: Uncertain significance (2). Last evaluated 2025-11-18.

Allele frequency attached by ClinVar (database versions not stated): gnomAD 0.00014; TOPMed 0.00014; gnomAD exomes 0.00017; ExAC 0.00019; ESP Exome Variant Server 0.00025.
gnomAD v4.1: 264 of 1,613,114 alleles (0.016%); highest among the groups gnomAD compares: Non-Finnish European, 0.021%; no homozygotes.

Submissions (2):

Labcorp Genetics (formerly Invitae), Labcorp
Classification: Uncertain significance. Last evaluated: 2025-11-18. Review status: criteria provided, single submitter. Criteria: Invitae Variant Classification Sherloc (09022015). Collection method: clinical testing. Allele origin: germline.
Comment: This sequence change replaces proline, which is neutral and non-polar, with threonine, which is neutral and polar, at codon 259 of the FUK protein (p.Pro259Thr). This variant is present in population databases (rs370987850, gnomAD 0.03%). This variant has not been reported in the literature in individuals affected with FUK-related conditions. ClinVar contains an entry for this variant (Variation ID: 2082892). An algorithm developed to predict the effect of missense changes on protein structure and function (PolyPhen-2) suggests that this variant is likely to be disruptive. In summary, the available evidence is currently insufficient to determine the role of this variant in disease. Therefore, it has been classified as a Variant of Uncertain Significance.

Ambry Genetics
Classification: Uncertain significance. Last evaluated: 2025-11-06. Review status: criteria provided, single submitter. Criteria: Ambry Variant Classification Scheme 2023. Collection method: clinical testing. Allele origin: germline.